The following is an entry in ClinVar:

NM_030962.4(SBF2):c.2405G>C (p.Gly802Ala)

Genes: SBF2 (SET binding factor 2; minus strand), LOC101928008 (uncharacterized LOC101928008; plus strand). Cytogenetic location: 11p15.4.
Variant type: single nucleotide variant.
Coding change: c.2405G>C on transcript NM_030962.4 (MANE Select); coding-DNA position 2405, G replaced by C.
Protein change: p.Gly802Ala; replaces glycine 802 with alanine.
Molecular consequence: missense variant.
Genome position (GRCh38, 1-based): chr11:9,853,671, C>G on the plus strand (G>C on the coding strand, the complement: SBF2 is on the minus strand). VCF-style: chr11-9853671-C-G. GRCh37 (hg19) VCF-style: chr11-9875218-C-G.
Other names: c.2405G>C, p.Gly802Ala (NM_001386339.1); c.2276G>C, p.Gly759Ala (NM_001386342.1); short protein forms G759A, G802A.
Identifiers: ClinVar variation 1304840 (VCV001304840.2), dbSNP rs2133992861, ClinGen allele CA379637752.

ClinVar aggregate classification (germline): Uncertain significance (1 of 4 stars; one submission).

Submission:

GeneDx
Classification: Uncertain significance. Last evaluated: 2019-08-06. Review status: criteria provided, single submitter. Criteria: GeneDx Variant Classification Process June 2021. Collection method: clinical testing. Allele origin: germline. Affected: yes.
Comment: Not observed in large population cohorts (Lek et al., 2016); In silico analysis, which includes protein predictors and evolutionary conservation, supports a deleterious effect; Has not been previously published as pathogenic or benign to our knowledge